The following is an entry in ClinVar:

ClinVar aggregate classification (germline): Uncertain significance (1 of 4 stars; one submission).

Conditions:
Epilepsy. Also called: Seizure disorder. Identifiers: MedGen C0014544, MeSH D004827, MONDO:0005027.

Allele frequency attached by ClinVar (database versions not stated): gnomAD 0.00001 and 0.00002; gnomAD exomes 0.00001 and 0.00002; ExAC 0.00002; TOPMed 0.00003.

Submission:

Labcorp Genetics (formerly Invitae), Labcorp
Classification: Uncertain significance for Epilepsy. Last evaluated: 2022-10-17. Review status: criteria provided, single submitter. Criteria: Invitae Variant Classification Sherloc (09022015). Collection method: clinical testing. Allele origin: germline.
Comment: This sequence change falls in intron 6 of the PIGQ gene. It does not directly change the encoded amino acid sequence of the PIGQ protein. It affects a nucleotide within the consensus splice site. This variant is present in population databases (rs778074464, gnomAD 0.005%). This variant has not been reported in the literature in individuals affected with PIGQ-related conditions. ClinVar contains an entry for this variant (Variation ID: 577487). Variants that disrupt the consensus splice site are a relatively common cause of aberrant splicing (PMID: 17576681, 9536098). Algorithms developed to predict the effect of sequence changes on RNA splicing suggest that this variant is not likely to affect RNA splicing. In summary, the available evidence is currently insufficient to determine the role of this variant in disease. Therefore, it has been classified as a Variant of Uncertain Significance.

Literature cited by the submitters: PubMed 17576681; PubMed 9536098.

NM_004204.5(PIGQ):c.1223+6C>T

Gene: PIGQ (phosphatidylinositol glycan anchor biosynthesis class Q; plus strand). Cytogenetic location: 16p13.3.
Variant type: single nucleotide variant.
Coding change: c.1223+6C>T on transcript NM_004204.5 (MANE Select); 6 bases into the intron after coding-DNA position 1223, C replaced by T.
Molecular consequence: intron variant.
Genome position (GRCh38, 1-based): chr16:578,944, C>T. VCF-style: chr16-578944-C-T. GRCh37 (hg19) VCF-style: chr16-628944-C-T.
Other names: c.1223+6C>T (NM_148920.4).
Identifiers: ClinVar variation 577487 (VCV000577487.7), dbSNP rs778074464, ClinGen allele CA7780157.
Genomic context (GRCh38, chr16:578,944, plus strand): 5'-ACATTATCGCCCTCCTCACCTTCCACATCTACTGCTTTTACGTCTATGGAGCCAGGTGGG[C>T]GTGGGCTTCCCCCTCCCCACCGCCCCCTGGGAGGTGCAGAGGCTCCGGCTGGGCGGGCGT-3'